The following is an entry in ClinVar:

NM_001267550.2(TTN):c.87888del (p.Phe29297fs)

Genes: TTN (titin; minus strand), TTN-AS1 (TTN antisense RNA 1; plus strand). Cytogenetic location: 2q31.2.
Variant type: Deletion.
Coding change: c.87888del on transcript NM_001267550.2 (MANE Select); coding-DNA position 87888, one base deleted (C; older notation c.87888delC).
Protein change: p.Phe29297fs; shifts the reading frame from phenylalanine 29297.
Molecular consequence: frameshift variant.
Genome position (GRCh38, 1-based): chr2:178,557,374, G deleted on the plus strand (C on the coding strand, the reverse complement: TTN is on the minus strand). VCF-style (leftmost placement, unchanged base first): chr2-178557373-AG-A. GRCh37 (hg19) VCF-style: chr2-179422100-AG-A.
Other names: c.82965del, p.Phe27656fs (NM_001256850.1); c.60693del, p.Phe20232fs (NM_003319.4); c.80184del, p.Phe26729fs (NM_133378.4); c.61068del, p.Phe20357fs (NM_133432.3); c.61269del, p.Phe20424fs (NM_133437.4); c.87888delC (NM_001267550.2); short protein forms F20232fs, F20424fs, F26729fs, F20357fs, F29297fs, F27656fs.
Identifiers: ClinVar variation 404643 (VCV000404643.10), dbSNP rs1060500399, ClinGen allele CA16610357.

ClinVar aggregate classification (germline): Likely pathogenic. Review status: criteria provided, single submitter (1 of 4 stars). 2 submissions from 1 submitter: Likely pathogenic (2). Last evaluated 2024-05-10.

Conditions:
Dilated cardiomyopathy 1G (CMD1G). Identifiers: Orphanet 154, MedGen C1858763, MONDO:0011400, OMIM 604145.
Autosomal recessive limb-girdle muscular dystrophy type 2J (LGMDR10). Also called: Limb-girdle muscular dystrophy, type 2J; MUSCULAR DYSTROPHY, LIMB-GIRDLE, AUTOSOMAL RECESSIVE 10. Identifiers: Orphanet 140922, MedGen C1837342, MONDO:0012127, OMIM 608807.

Submissions (2):

Labcorp Genetics (formerly Invitae), Labcorp
Classification: Likely pathogenic for Dilated cardiomyopathy 1G; Autosomal recessive limb-girdle muscular dystrophy type 2J. Last evaluated: 2024-05-10. Review status: criteria provided, single submitter. Criteria: Invitae Variant Classification Sherloc (09022015). Collection method: clinical testing. Allele origin: germline.
Comment: This sequence change creates a premature translational stop signal (p.Phe29297Serfs*104) in the TTN gene. While this is not anticipated to result in nonsense mediated decay, it is expected to create a truncated TTN protein. This variant is not present in population databases (gnomAD no frequency). This variant has not been reported in the literature in individuals affected with TTN-related conditions. ClinVar contains an entry for this variant (Variation ID: 404643). This variant is located in the A band of TTN (PMID: 25589632). Truncating variants in this region are significantly overrepresented in patients affected with dilated cardiomyopathy (PMID: 25589632). Truncating variants in this region have also been reported in individuals affected with autosomal recessive centronuclear myopathy (PMID: 23975875). In summary, the currently available evidence indicates that the variant is pathogenic, but additional data are needed to prove that conclusively. Therefore, this variant has been classified as Likely Pathogenic.

Labcorp Genetics (formerly Invitae), Labcorp
Classification: Likely pathogenic for Dilated cardiomyopathy 1G. Last evaluated: 2016-10-08. Review status: criteria provided, single submitter. Criteria: Invitae Variant Classification Sherloc (09022015). Collection method: clinical testing. Allele origin: germline.
Comment: This sequence change deletes 1 nucleotide from exon 329 of the TTN mRNA (c.87888delC), causing a frameshift at codon 29297. This creates a premature translational stop signal (p.Phe29297Serfs*104) and is expected to result in an absent or disrupted protein product. This variant is found in the A-band of this gene. While this particular variant has not been reported in the literature, truncating variants in the A-band of TTN are significantly overrepresented in patients with dilated cardiomyopathy and are considered to be likely pathogenic for the disease (PMID: 25589632). For these reasons, this variant has been classified as Likely Pathogenic.

Literature cited by the submitters: PubMed 25589632; PubMed 23975875.